The following is an entry in ClinVar:

NM_000051.4(ATM):c.7191A>G (p.Gln2397=)

Genes: C11orf65 (chromosome 11 open reading frame 65; minus strand), ATM (ATM serine/threonine kinase; plus strand). Cytogenetic location: 11q22.3.
Variant type: single nucleotide variant.
Coding change: c.7191A>G on transcript NM_000051.4 (MANE Select); coding-DNA position 7191, A replaced by G.
Protein change: p.Gln2397=; no amino-acid change (glutamine 2397 retained).
Molecular consequence: synonymous variant. On other transcripts: intron variant (2).
Genome position (GRCh38, 1-based): chr11:108,329,122, A>G. VCF-style: chr11-108329122-A-G. GRCh37 (hg19) VCF-style: chr11-108199849-A-G.
Other names: c.7191A>G, p.Gln2397= (NM_001351834.2); c.641-20051T>C (NM_001330368.2); c.*38+6098T>C (NM_001351110.2).
Identifiers: ClinVar variation 234110 (VCV000234110.23), dbSNP rs768906734, ClinGen allele CA6266075.

ClinVar aggregate classification (germline): Benign/Likely benign. Review status: criteria provided, multiple submitters, no conflicts (2 of 4 stars). 8 submissions from 8 submitters: Benign (1); Likely benign (6). 1 of the submissions does not count toward it. Last evaluated 2026-01-13.

Conditions:
Hereditary cancer-predisposing syndrome. Also called: Neoplastic Syndromes, Hereditary; Hereditary neoplastic syndrome; Tumor predisposition; Hereditary Cancer Syndrome. Identifiers: Orphanet 140162, MedGen C0027672, MeSH D009386, MONDO:0015356.
Familial cancer of breast. Also called: hereditary breast carcinoma; Hereditary breast cancer; BREAST CANCER, FAMILIAL. Identifiers: Orphanet 227535, MedGen C0346153, MONDO:0016419, OMIM 114480. Disease mechanism: loss of function.
Malignant tumor of breast. Also called: Malignant breast neoplasm; Cancer breast. Identifiers: MedGen C0006142, MONDO:0007254. Disease mechanism: loss of function.
Ataxia-telangiectasia syndrome (AT). Also called: Ataxia telangiectasia (A-T); Cerebello-oculocutaneous telangiectasia; Immunodeficiency with ataxia telangiectasia; LOUIS-BAR SYNDROME; AT, COMPLEMENTATION GROUP C; ATAXIA-TELANGIECTASIA, FRESNO VARIANT. Identifiers: Orphanet 100, MedGen C0004135, MONDO:0008840, OMIM 208900.

Allele frequency attached by ClinVar (database versions not stated): ExAC 0.00001; gnomAD 0.00003; gnomAD exomes below 0.00001 and 0.00002; TOPMed 0.00002.
gnomAD v4.1: 11 of 1,614,032 alleles (0.00068%); highest among the groups gnomAD compares: Admixed American, 0.01%; no homozygotes.

Submissions (8):

Labcorp Genetics (formerly Invitae), Labcorp
Classification: Likely benign for Ataxia-telangiectasia syndrome. Last evaluated: 2026-01-13. Review status: criteria provided, single submitter. Criteria: Invitae Variant Classification Sherloc (09022015). Collection method: clinical testing. Allele origin: germline.

Center for Genomic Medicine, Rigshospitalet, Copenhagen University Hospital
Classification: Likely benign. Last evaluated: 2025-03-04. Review status: criteria provided, single submitter. Criteria: ACMG Guidelines, 2015. Collection method: clinical testing. Allele origin: germline.

Myriad Genetics, Inc.
Classification: Benign for Familial cancer of breast. Last evaluated: 2024-06-13. Review status: criteria provided, single submitter. Criteria: Myriad Autosomal Dominant, Autosomal Recessive and X-Linked Classification Criteria (2023). Collection method: clinical testing. Allele origin: unknown.
Comment: This variant is considered benign. This variant is a silent/synonymous amino acid change and it is not expected to impact splicing.

Spanish ATM Cancer Susceptibility Variant Interpretation Working Group
Classification: Likely benign for Hereditary cancer-predisposing syndrome. Last evaluated: 2020-06-17. Review status: criteria provided, single submitter. Criteria: Feliubadaló L et al. (Clin Chem 2021). Collection method: clinical testing. Allele origin: germline. Affected: yes. Observed: 2 heterozygotes. Clinical features observed: Breast carcinoma.
Comment: The c.7191A>G (p.Gln2397=) variant has an allele frequency of 0.000017 (0.002%, 4/236,840 alleles) in the gnomAD v2.1.1 non-cancer dataset, with a maximal frequency of 0.000088 (0.009%, 3/34,250 alleles) in the Latino / Admixed American subpopulation (no population frequency criterion met). It is a silent variant not predicted to lead to a splicing alteration according to SPiCE, and no splicing site is created or activated according to at least 3 splicing predictors of the set SpliceSiteFinderlike - MaxEntScan - NNSplice - GeneSplicer (BP4). The variant is located at a nucleotide that is not highly conserved across species, based on PhyloP (BP7). Therefore, this variant meets criteria to be classified as likely benign. Adapted ACMG/AMP rules applied as defined by the Spanish ATM working group: BP4 + BP7 (PMID: 33280026).

GeneDx
Classification: Likely benign. Last evaluated: 2018-03-05. Review status: criteria provided, single submitter. Criteria: GeneDx Variant Classification (06012015). Collection method: clinical testing. Allele origin: germline. Affected: yes.
Comment: This variant is considered likely benign or benign based on one or more of the following criteria: it is a conservative change, it occurs at a poorly conserved position in the protein, it is predicted to be benign by multiple in silico algorithms, and/or has population frequency not consistent with disease.

Color Diagnostics, LLC DBA Color Health
Classification: Likely benign for Hereditary cancer-predisposing syndrome. Last evaluated: 2018-02-16. Review status: criteria provided, single submitter. Criteria: ACMG Guidelines, 2015. Collection method: clinical testing. Allele origin: germline.

Ambry Genetics
Classification: Likely benign for Hereditary cancer-predisposing syndrome. Last evaluated: 2015-09-28. Review status: criteria provided, single submitter. Criteria: Ambry Variant Classification Scheme 2023. Collection method: clinical testing. Allele origin: germline.

Department of Pathology and Laboratory Medicine, Sinai Health System
Classification: Likely benign for Malignant tumor of breast. Review status: no assertion criteria provided. Collection method: clinical testing. Allele origin: unknown. Affected: yes. Study: The Canadian Open Genetics Repository (COGR). Not counted in ClinVar's aggregate classification.
Comment: The ATM p.Gln2397= variant was not identified in the literature nor was it identified in the COGR, Cosmic, or LOVD 3.0 database. The variant was also identified in dbSNP (ID: rs768906734) as With Likely benign allele, ClinVar (classified as likely benign by Ambry Genetics, GeneDx), or Clinvitae databases. The variant was identified in control databases in 4 of 246170 chromosomes at a frequency of 0.000016 (Genome Aggregation Database Feb 27, 2017). It was observed in the Latino population in 3 of 33580 chromosomes (freq: 0.000089), and East Asian population in 1 of 17218 chromosomes (freq: 0.0001); it was not observed in the African, Other, European, Ashkenazi Jewish, Finnish, and South Asian populations. The p.Gln2397= variant is not expected to have clinical significance because it does not result in a change of amino acid and is not located in a known consensus splice site. The variant occurs outside of the splicing consensus sequence and 1 of 5 in silico or computational prediction software programs (SpliceSiteFinder, MaxEntScan, NNSPLICE, GeneSplicer, HumanSpliceFinder) predict a greater than 10% difference in splicing; this is not very predictive of pathogenicity. In summary, based on the above information the clinical significance of this variant cannot be determined with certainty at this time although we would lean towards a more benign role for this variant. This variant is classified as likely benign.